The following is an entry in ClinVar:

ClinVar aggregate classification (germline): Likely pathogenic (1 of 4 stars; one submission).

Conditions:
Hyper-IgM syndrome type 1. Also called: CD40 Ligand Deficiency; X-linked hyper-IgM syndrome; Immunodeficiency, X-linked, with hyper-IgM; Hyper-IgM Immunodeficiency Syndrome, Type 1. Identifiers: Orphanet 101088, MedGen C0398689, MONDO:0010626, OMIM 308230.

Submission:

Women's Health and Genetics/Laboratory Corporation of America, LabCorp
Classification: Likely pathogenic for Hyper-IgM syndrome type 1. Last evaluated: 2023-01-24. Review status: criteria provided, single submitter. Criteria: LabCorp Variant Classification Summary - May 2015. Collection method: clinical testing. Allele origin: germline.
Comment: Variant summary: CD40LG c.340C>T (p.Gln114X) results in a premature termination codon, predicted to cause a truncation of the encoded protein or absence of the protein due to nonsense mediated decay, which are commonly known mechanisms for disease. Truncations downstream of this position have been classified as pathogenic by our laboratory. The variant was absent in 183139 control chromosomes (gnomAD). To our knowledge, no occurrence of c.340C>T in individuals affected with X-Linked Hyper IgM Syndrome and no experimental evidence demonstrating its impact on protein function have been reported. No clinical diagnostic laboratories have submitted clinical-significance assessments for this variant to ClinVar after 2014. Based on the evidence outlined above, the variant was classified as likely pathogenic.

NM_000074.3(CD40LG):c.340C>T (p.Gln114Ter)

Gene: CD40LG (CD40 ligand; plus strand). Cytogenetic location: Xq26.3.
Variant type: single nucleotide variant.
Coding change: c.340C>T on transcript NM_000074.3 (MANE Select); coding-DNA position 340, C replaced by T.
Protein change: p.Gln114Ter; replaces glutamine 114 with a stop codon.
Molecular consequence: nonsense.
Genome position (GRCh38, 1-based): chrX:136,654,424, C>T. VCF-style: chrX-136654424-C-T. GRCh37 (hg19) VCF-style: chrX-135736583-C-T.
Other names: short protein forms Q114*.
Identifiers: ClinVar variation 984484 (VCV000984484.5), dbSNP rs2076113325, ClinGen allele CA414754882.